The following is an entry in ClinVar:

ClinVar aggregate classification (germline): Uncertain significance (1 of 4 stars; one submission).

Conditions:
Hereditary cancer-predisposing syndrome. Also called: Neoplastic Syndromes, Hereditary; Tumor predisposition; Hereditary neoplastic syndrome; Hereditary Cancer Syndrome. Identifiers: Orphanet 140162, MedGen C0027672, MeSH D009386, MONDO:0015356.

Submission:

Ambry Genetics
Classification: Uncertain significance for Hereditary cancer-predisposing syndrome. Last evaluated: 2024-05-07. Review status: criteria provided, single submitter. Criteria: Ambry Variant Classification Scheme 2023. Collection method: clinical testing. Allele origin: germline.
Comment: The p.S98T variant (also known as c.292T>A), located in coding exon 5 of the SDHC gene, results from a T to A substitution at nucleotide position 292. The serine at codon 98 is replaced by threonine, an amino acid with similar properties. This amino acid position is conserved. In addition, the in silico prediction for this alteration is inconclusive. Based on the available evidence, the clinical significance of this variant remains unclear.

NM_003001.5(SDHC):c.292T>A (p.Ser98Thr)

Gene: SDHC (succinate dehydrogenase complex subunit C; plus strand). Cytogenetic location: 1q23.3.
Variant type: single nucleotide variant.
Coding change: c.292T>A on transcript NM_003001.5 (MANE Select); coding-DNA position 292, T replaced by A.
Protein change: p.Ser98Thr; replaces serine 98 with threonine.
Molecular consequence: missense variant. On other transcripts: non-coding transcript variant (1), intron variant (3).
Genome position (GRCh38, 1-based): chr1:161,356,727, T>A. VCF-style: chr1-161356727-T-A. GRCh37 (hg19) VCF-style: chr1-161326517-T-A.
Other names: c.190T>A, p.Ser64Thr (NM_001035512.3); c.133T>A, p.Ser45Thr (NM_001035513.3); c.412T>A, p.Ser138Thr (NM_001407115.1); c.235T>A, p.Ser79Thr (NM_001407116.1); c.229T>A, p.Ser77Thr (NM_001407117.1); c.184T>A, p.Ser62Thr (NM_001407118.1); c.242-5602T>A (NM_001035511.3); c.140-5602T>A (NM_001278172.3); and 2 more; short protein forms S45T, S79T, S138T, S62T, S77T, S98T, S61T, S64T.
Identifiers: ClinVar variation 3316907 (VCV003316907.1).